The following is an entry in ClinVar:

NM_000152.5(GAA):c.1001G>A (p.Gly334Asp)

Gene: GAA (alpha glucosidase; plus strand). Cytogenetic location: 17q25.3.
Variant type: single nucleotide variant.
Coding change: c.1001G>A on transcript NM_000152.5 (MANE Select); coding-DNA position 1001, G replaced by A.
Protein change: p.Gly334Asp; replaces glycine 334 with aspartic acid.
Molecular consequence: missense variant.
Genome position (GRCh38, 1-based): chr17:80,108,335, G>A. VCF-style: chr17-80108335-G-A. GRCh37 (hg19) VCF-style: chr17-78082134-G-A.
Other names: c.1001G>A, p.Gly334Asp (NM_001079803.3, NM_001079804.3); short protein forms G334D.
Identifiers: ClinVar variation 982365 (VCV000982365.7), dbSNP rs2039143109, ClinGen allele CA401364535.

ClinVar aggregate classification (germline): Pathogenic/Likely pathogenic. Review status: criteria provided, multiple submitters, no conflicts (2 of 4 stars). 3 submissions from 3 submitters: Pathogenic (1); Likely pathogenic (2). Last evaluated 2026-07-01.

Conditions:
Glycogen storage disease, type II (IOPD). Also called: CARDIOMEGALIA GLYCOGENICA DIFFUSA; Glycogen storage disease type 2; Acid maltase deficiency disease; Aglucosidase alfa; Deficiency of alpha-glucosidase; Deficiency of lysosomal alpha-glucosidase. Identifiers: Orphanet 365, MedGen C0017921, MONDO:0009290, OMIM 232300.

Submissions (3):

Genomenon, Inc
Classification: Likely pathogenic for Glycogen storage disease, type II. Last evaluated: 2026-07-01. Review status: criteria provided, single submitter. Criteria: Genomenon Sequence Variant Interpretation Standards - Updated. Collection method: curation. Allele origin: germline. Affected: yes.
Comment: GAA p.Gly334Asp (c.1001G>A) is a missense variant that changes the amino acid at codon 334 from Glycine to Aspartic acid. This variant has been observed in at least one proband with a GAA-related disorder in the compound heterozygous and/or homozygous state (PMID:38715621;33741225). It is absent or not present at a significant frequency in gnomAD. In silico models predict that this variant is possibly or probably damaging. In conclusion, we classify GAA p.Gly334Asp (c.1001G>A) as a likely pathogenic variant.

Labcorp Genetics (formerly Invitae), Labcorp
Classification: Pathogenic for Glycogen storage disease, type II. Last evaluated: 2023-09-27. Review status: criteria provided, single submitter. Criteria: Invitae Variant Classification Sherloc (09022015). Collection method: clinical testing. Allele origin: germline.
Comment: For these reasons, this variant has been classified as Pathogenic. This variant disrupts the p.Gly334 amino acid residue in GAA. Other variant(s) that disrupt this residue have been observed in individuals with GAA-related conditions (PMID: 21687968), which suggests that this may be a clinically significant amino acid residue. Advanced modeling of protein sequence and biophysical properties (such as structural, functional, and spatial information, amino acid conservation, physicochemical variation, residue mobility, and thermodynamic stability) performed at Invitae indicates that this missense variant is expected to disrupt GAA protein function. ClinVar contains an entry for this variant (Variation ID: 982365). This missense change has been observed in individual(s) with Pompe disease (PMID: 33741225). This variant is not present in population databases (gnomAD no frequency). This sequence change replaces glycine, which is neutral and non-polar, with aspartic acid, which is acidic and polar, at codon 334 of the GAA protein (p.Gly334Asp).

Institute of Medical Genetics and Genomics, Sir Ganga Ram Hospital
Classification: Likely pathogenic for Glycogen storage disease, type II. Last evaluated: 2020-10-15. Review status: criteria provided, single submitter. Criteria: ACMG Guidelines, 2015. Collection method: clinical testing. Allele origin: germline. Inheritance: Autosomal recessive inheritance. Affected: yes. Observed: 2 variant alleles, 2 homozygotes.
Comment: The variant c.1001G>A is likely pathogenic based on phenotype of the patient & ACMG guidelines

Literature cited by the submitters: PubMed 38715621 (cited by Genomenon, Inc); PubMed 33741225 (cited by Genomenon, Inc and Labcorp Genetics (formerly Invitae), Labcorp); PubMed 21687968 (cited by Labcorp Genetics (formerly Invitae), Labcorp).